The following is an entry in ClinVar:

ClinVar aggregate classification (germline): Pathogenic (1 of 4 stars; one submission).

Conditions:
Neurofibromatosis, type 1 (NF1). Also called: Peripheral type neurofibromatosis; VON RECKLINGHAUSEN DISEASE; NEUROFIBROMATOSIS, TYPE I, SOMATIC; Neurofibromatosis, type I. Identifiers: Orphanet 636, MedGen C0027831, MONDO:0018975, OMIM 162200. Disease mechanism: loss of function.

Submission:

Labcorp Genetics (formerly Invitae), Labcorp
Classification: Pathogenic for Neurofibromatosis, type 1. Last evaluated: 2021-11-05. Review status: criteria provided, single submitter. Criteria: Invitae Variant Classification Sherloc (09022015). Collection method: clinical testing. Allele origin: germline.
Comment: This variant is not present in population databases (gnomAD no frequency). For these reasons, this variant has been classified as Pathogenic. This variant has not been reported in the literature in individuals affected with NF1-related conditions. This sequence change creates a premature translational stop signal (p.Leu1638Serfs*39) in the NF1 gene. It is expected to result in an absent or disrupted protein product. Loss-of-function variants in NF1 are known to be pathogenic (PMID: 10712197, 23913538).

Literature cited by the submitters: PubMed 10712197; PubMed 23913538.

NM_001042492.3(NF1):c.4975del (p.Leu1659fs)

Gene: NF1 (neurofibromin 1; plus strand). Cytogenetic location: 17q11.2.
Variant type: Deletion.
Coding change: c.4975del on transcript NM_001042492.3 (MANE Select); coding-DNA position 4975, one base deleted (C; older notation c.4975delC).
Protein change: p.Leu1659fs; shifts the reading frame from leucine 1659.
Molecular consequence: frameshift variant.
Genome position (GRCh38, 1-based): chr17:31,325,959, C deleted. VCF-style (leftmost placement, unchanged base first): chr17-31325958-TC-T. GRCh37 (hg19) VCF-style: chr17-29652976-TC-T.
Other names: c.4912delC, p.Leu1638Serfs (NM_000267.4); short protein forms L1638fs, L1659fs.
Identifiers: ClinVar variation 1439300 (VCV001439300.6), dbSNP rs2151537953, ClinGen allele CA2573153352.